The following is an entry in ClinVar:

NM_001012985.2(COA6):c.-613T>A

Genes: COA6 (cytochrome c oxidase assembly factor 6; plus strand), COA6-AS1 (COA6 antisense RNA 1; minus strand). Cytogenetic location: 1q42.2.
Variant type: single nucleotide variant.
Coding change: c.-613T>A on transcript NM_001012985.2; 613 bases upstream of the start codon, T replaced by A.
Molecular consequence: non-coding transcript variant (on NR_125961.1).
Genome position (GRCh38, 1-based): chr1:234,373,106, T>A. VCF-style: chr1-234373106-T-A. GRCh37 (hg19) VCF-style: chr1-234508852-T-A.
Identifiers: ClinVar variation 672594 (VCV000672594.4), dbSNP rs141196097, ClinGen allele CA39496181.

ClinVar aggregate classification (germline): Likely benign. Review status: criteria provided, multiple submitters, no conflicts (2 of 4 stars). 2 submissions from 2 submitters: Likely benign (2). Last evaluated 2018-06-14.

Allele frequency attached by ClinVar (database versions not stated): gnomAD 0.01529 and 0.01541; 1000 Genomes Project 0.00938; 1000 Genomes Project 30x 0.00968; TOPMed 0.01557.

Submissions (2):

GeneDx
Classification: Likely benign. Last evaluated: 2018-06-14. Review status: criteria provided, single submitter. Criteria: GeneDx Variant Classification (06012015). Collection method: clinical testing. Allele origin: germline. Affected: yes.
Comment: This variant is considered likely benign or benign based on one or more of the following criteria: it is a conservative change, it occurs at a poorly conserved position in the protein, it is predicted to be benign by multiple in silico algorithms, and/or has population frequency not consistent with disease.

Breakthrough Genomics
Classification: Likely benign. Review status: criteria provided, single submitter. Criteria: ACMG Guidelines, 2015. Collection method: not provided. Allele origin: germline. Inheritance: Autosomal recessive inheritance. Affected: yes.